The following is an entry in ClinVar:

NM_001018115.3(FANCD2):c.4067A>C (p.His1356Pro)

Genes: FANCD2 (FA complementation group D2; plus strand), FANCD2OS (FANCD2 opposite strand; minus strand). Cytogenetic location: 3p25.3.
Variant type: single nucleotide variant.
Coding change: c.4067A>C on transcript NM_001018115.3 (MANE Select); coding-DNA position 4067, A replaced by C.
Protein change: p.His1356Pro; replaces histidine 1356 with proline.
Molecular consequence: missense variant. On other transcripts: intron variant (1).
Genome position (GRCh38, 1-based): chr3:10,096,354, A>C. VCF-style: chr3-10096354-A-C. GRCh37 (hg19) VCF-style: chr3-10138038-A-C.
Other names: c.4067A>C, p.His1356Pro (NM_001319984.2, NM_033084.6); c.3956A>C, p.His1319Pro (NM_001374253.1); c.4028A>C, p.His1343Pro (NM_001374254.1); c.*43+7844T>G (NM_173472.2); short protein forms H1319P, H1343P, H1356P.
Identifiers: ClinVar variation 2672928 (VCV002672928.21), dbSNP rs1348547984, ClinGen allele CA351757663.
Genomic context (GRCh38, chr3:10,096,354, plus strand): 5'-ACAAAAGATGGATGTTATTTATTTCCATTCAGATTCACCAGGACACGAGACTCACCCAAC[A>C]TGTGCCTCTGCTCAAAAAGACCCTGGAACTTTTAGTTTGCAGAGTCAAAGCTATGCTCAC-3'
Protein context (NP_001018125.1, residues 1346-1366): KIHQDTRLTQ[His1356Pro]VPLLKKTLEL

ClinVar aggregate classification (germline): Uncertain significance (1 of 4 stars; one submission).

Submission:

CeGaT Center for Human Genetics Tuebingen
Classification: Uncertain significance. Last evaluated: 2023-12-01. Review status: criteria provided, single submitter. Criteria: CeGaT Center For Human Genetics Tuebingen Variant Classification Criteria Version 2. Collection method: clinical testing. Allele origin: germline. Affected: yes. Observed: 1 variant allele.
Comment: FANCD2: PM2